The following is an entry in ClinVar:

NM_007078.3(LDB3):c.390AGGCACCCC[1] (p.131GTP[1])

Gene: LDB3 (LIM domain binding 3; plus strand). Cytogenetic location: 10q23.2.
Variant type: Microsatellite.
Coding change: c.390AGGCACCCC[1] on transcript NM_007078.3 (MANE Select); one copy of the 9-base unit AGGCACCCC starting at c.390; the reference has two copies in a row; one copy, 9 bases deleted; also written c.399_407del.
Protein change: p.131GTP[1].
Molecular consequence: inframe deletion. On other transcripts: intron variant (5).
Genome position (GRCh38, 1-based): chr10:86,681,513-86,681,521, AGGCACCCC deleted; deleting any 9 consecutive bases within chr10:86,681,501-86,681,521 gives the same sequence; the position shown is the placement nearest the transcript's 3' end. VCF-style (leftmost placement, unchanged base first): chr10-86681500-GCCCAGGCAC-G. GRCh37 (hg19) VCF-style: chr10-88441257-GCCCAGGCAC-G.
Other names: c.390AGGCACCCC[1], p.131GTP[1] (NM_001080115.2, NM_001171610.2, NM_001171611.2 and 3 more transcripts); c.321+1356_321+1364del (NM_001368068.1, NM_001368066.1, NM_001080114.2 and 2 more transcripts); c.399_407del (NM_007078.3); c.399_407delAGGCACCCC (NM_007078.3).
Identifiers: ClinVar variation 972381 (VCV000972381.11), dbSNP rs750334087, ClinGen allele CA5584688.

ClinVar aggregate classification (germline): Uncertain significance. Review status: criteria provided, multiple submitters, no conflicts (2 of 4 stars). 4 submissions from 4 submitters: Uncertain significance (4). Last evaluated 2025-10-13.

Conditions:
Dilated cardiomyopathy 1C (CMD1C). Also called: CARDIOMYOPATHY, DILATED, 1C, WITH OR WITHOUT LEFT VENTRICULAR NONCOMPACTION; Cardiomyopathy, dilated, 1C, with or without LVNC. Identifiers: Orphanet 154, Orphanet 54260, MedGen C1832244, MONDO:0011094, OMIM 601493.
Myofibrillar myopathy 4. Also called: Zaspopathy (type). Identifiers: Orphanet 98912, MedGen C4721886, MONDO:0012277, OMIM 609452.

Submissions (4):

Labcorp Genetics (formerly Invitae), Labcorp
Classification: Uncertain significance for Myofibrillar myopathy 4. Last evaluated: 2025-10-13. Review status: criteria provided, single submitter. Criteria: Invitae Variant Classification Sherloc (09022015). Collection method: clinical testing. Allele origin: germline.
Comment: The LDB3 gene has multiple clinically relevant transcripts. This variant occurs in alternate transcript NM_007078.3, and corresponds to NM_001080116.1:c.321+1356_321+1364del in the primary transcript. This variant, c.399_407del, results in the deletion of 3 amino acid(s) of the LDB3 protein (p.Gly134_Pro136del), but otherwise preserves the integrity of the reading frame. This variant is present in population databases (rs756150070, gnomAD 0.01%). This variant has been observed in individual(s) with left ventricular non-compaction (PMID: 30471092). ClinVar contains an entry for this variant (Variation ID: 972381). Experimental studies and prediction algorithms are not available or were not evaluated, and the functional significance of this variant is currently unknown. Algorithms developed to predict the effect of sequence changes on RNA splicing suggest that this variant is not likely to affect RNA splicing. In summary, the available evidence is currently insufficient to determine the role of this variant in disease. Therefore, it has been classified as a Variant of Uncertain Significance.

GeneDx
Classification: Uncertain significance. Last evaluated: 2025-05-01. Review status: criteria provided, single submitter. Criteria: GeneDx Variant Classification Process June 2021. Collection method: clinical testing. Allele origin: germline. Affected: yes.
Comment: Not observed at significant frequency in large population cohorts (gnomAD); in-frame deletion of three amino acid residues in a non-repeat region; In silico analysis indicates that this variant does not alter splicing; This variant is associated with the following publications: (PMID: 35982160, 35982159)

Women's Health and Genetics/Laboratory Corporation of America, LabCorp
Classification: Uncertain significance. Last evaluated: 2024-06-03. Review status: criteria provided, single submitter. Criteria: LabCorp Variant Classification Summary - May 2015. Collection method: clinical testing. Allele origin: germline.
Comment: Variant summary: LDB3 c.399_407delAGGCACCCC (p.Gly134_Pro136del) results in an in-frame deletion that is predicted to remove three amino acids from the encoded protein. The variant allele was found at a frequency of 2.9e-05 in 245496 control chromosomes (gnomAD). The available data on variant occurrences in the general population are insufficient to allow any conclusion about variant significance. c.399_407delAGGCACCCC has been reported in the literature in individuals affected with left ventricular noncompaction or autism (Richard_2018, Zhou_2022). These reports do not provide unequivocal conclusions about association of the variant with Cardiomyopathy. To our knowledge, no experimental evidence demonstrating an impact on protein function has been reported. The following publications have been ascertained in the context of this evaluation (PMID: 30471092, 35982159). ClinVar contains an entry for this variant (Variation ID: 972381). Based on the evidence outlined above, the variant was classified as uncertain significance.

Fulgent Genetics
Classification: Uncertain significance for Dilated cardiomyopathy 1C; Myofibrillar myopathy 4. Last evaluated: 2021-10-25. Review status: criteria provided, single submitter. Criteria: ACMG Guidelines, 2015. Collection method: clinical testing. Allele origin: unknown.

Literature cited by the submitters: PubMed 30471092 (cited by Labcorp Genetics (formerly Invitae), Labcorp and Women's Health and Genetics/Laboratory Corporation of America, LabCorp); PubMed 35982159 (cited by Women's Health and Genetics/Laboratory Corporation of America, LabCorp).